The following is an entry in ClinVar:

NM_002578.5(PAK3):c.1164A>G (p.Ile388Met)

Gene: PAK3 (p21 (RAC1) activated kinase 3; plus strand). Cytogenetic location: Xq23.
Variant type: single nucleotide variant.
Coding change: c.1164A>G on transcript NM_002578.5 (MANE Select); coding-DNA position 1164, A replaced by G.
Protein change: p.Ile388Met; replaces isoleucine 388 with methionine.
Molecular consequence: missense variant. On other transcripts: non-coding transcript variant (2).
Genome position (GRCh38, 1-based): chrX:111,195,895, A>G. VCF-style: chrX-111195895-A-G. GRCh37 (hg19) VCF-style: chrX-110439123-A-G.
Other names: c.1164A>G, p.Ile388Met (NM_001128166.3, NM_001128167.3, NM_001324325.2 and 5 more transcripts); c.1272A>G, p.Ile424Met (NM_001128168.3); c.1227A>G, p.Ile409Met (NM_001128172.2); c.1209A>G, p.Ile403Met (NM_001128173.3, NM_001324327.2, NM_001324328.2 and 2 more transcripts); short protein forms I388M, I403M, I409M, I424M.
Identifiers: ClinVar variation 4975390 (VCV004975390.1).

ClinVar aggregate classification (germline): Uncertain significance (1 of 4 stars; one submission).

Submission:

GeneDx
Classification: Uncertain significance. Last evaluated: 2026-01-22. Review status: criteria provided, single submitter. Criteria: GeneDx Variant Classification Process June 2021. Collection method: clinical testing. Allele origin: germline.
Comment: Not observed at significant frequency in large population cohorts (gnomAD); In silico analysis supports that this missense variant has a deleterious effect on protein structure/function; Has not been previously published as pathogenic or benign to our knowledge.